The following is an entry in ClinVar:

NM_018723.4(RBFOX1):c.1042C>G (p.Pro348Ala)

Genes: RBFOX1 (RNA binding fox-1 homolog 1; plus strand), LOC126862279 (MED14-independent group 3 enhancer GRCh37_chr16:7758954-7760153; plus strand). Cytogenetic location: 16p13.3.
Variant type: single nucleotide variant.
Coding change: c.1042C>G on transcript NM_018723.4 (MANE Select); coding-DNA position 1042, C replaced by G.
Protein change: p.Pro348Ala; replaces proline 348 with alanine.
Molecular consequence: missense variant. On other transcripts: synonymous variant (2).
Genome position (GRCh38, 1-based): chr16:7,709,102, C>G. VCF-style: chr16-7709102-C-G. GRCh37 (hg19) VCF-style: chr16-7759104-C-G.
Other names: c.961C>G, p.Pro321Ala (NM_001142333.2); c.1042C>G, p.Pro348Ala (NM_001142334.2); c.1171C>G, p.Pro391Ala (NM_001308117.1); c.1095C>G, p.Leu365= (NM_001364800.2); c.1105C>G, p.Pro369Ala (NM_145891.3, NM_145892.3); c.1158C>G, p.Leu386= (NM_145893.3); short protein forms P348A, P369A, P321A, P391A.
Identifiers: ClinVar variation 582089 (VCV000582089.13), dbSNP rs538050088, ClinGen allele CA7891962.

ClinVar aggregate classification (germline): Uncertain significance. Review status: criteria provided, multiple submitters, no conflicts (2 of 4 stars). 2 submissions from 2 submitters: Uncertain significance (2). Last evaluated 2023-02-06.

Conditions:
Inborn genetic diseases. Identifiers: MedGen C0950123, MeSH D030342.
Idiopathic generalized epilepsy. Also called: Generalised epilepsy; EIG. Identifiers: MedGen C0270850, MONDO:0005579, OMIM 600669.

Allele frequency attached by ClinVar (database versions not stated): gnomAD 0.00002 and 0.00001; ExAC 0.00002; gnomAD exomes 0.00002; TOPMed 0.00003; 1000 Genomes Project 30x 0.00016; 1000 Genomes Project 0.00020.
gnomAD v4.1: 26 of 1,613,582 alleles (0.0016%); highest among the groups gnomAD compares: South Asian, 0.0044%; no homozygotes.

Submissions (2):

Ambry Genetics
Classification: Uncertain significance for Inborn genetic diseases. Last evaluated: 2023-02-06. Review status: criteria provided, single submitter. Criteria: Ambry Variant Classification Scheme 2023. Collection method: clinical testing. Allele origin: germline.

Labcorp Genetics (formerly Invitae), Labcorp
Classification: Uncertain significance for Idiopathic generalized epilepsy. Last evaluated: 2019-07-11. Review status: criteria provided, single submitter. Criteria: Invitae Variant Classification Sherloc (09022015). Collection method: clinical testing. Allele origin: germline.
Comment: This sequence change replaces proline with alanine at codon 369 of the RBFOX1 protein (p.Pro369Ala). The proline residue is highly conserved and there is a small physicochemical difference between proline and alanine. This variant is present in population databases (rs538050088, ExAC 0.01%). In summary, the available evidence is currently insufficient to determine the role of this variant in disease. Therefore, it has been classified as a Variant of Uncertain Significance. Algorithms developed to predict the effect of missense changes on protein structure and function (SIFT, PolyPhen-2, Align-GVGD) all suggest that this variant is likely to be tolerated, but these predictions have not been confirmed by published functional studies and their clinical significance is uncertain. This variant has not been reported in the literature in individuals with RBFOX1-related disease.